The following is an entry in ClinVar:

NM_025179.4(PLXNA2):c.120C>T (p.Thr40=)

Gene: PLXNA2 (plexin A2; minus strand). Cytogenetic location: 1q32.2.
Variant type: single nucleotide variant.
Coding change: c.120C>T on transcript NM_025179.4 (MANE Select); coding-DNA position 120, C replaced by T.
Protein change: p.Thr40=; no amino-acid change (threonine 40 retained).
Molecular consequence: synonymous variant.
Genome position (GRCh38, 1-based): chr1:208,217,803, G>A on the plus strand (C>T on the coding strand, the complement: PLXNA2 is on the minus strand). VCF-style: chr1-208217803-G-A. GRCh37 (hg19) VCF-style: chr1-208391148-G-A.
Identifiers: ClinVar variation 3353919 (VCV003353919.1).

ClinVar aggregate classification (germline): Likely benign (0 of 4 stars; one submission).

Conditions:
PLXNA2-related disorder. Also called: PLXNA2-related condition.

gnomAD v4.1: 34 of 1,614,082 alleles (0.0021%); highest among the groups gnomAD compares: Non-Finnish European, 0.0026%; no homozygotes.

Submission:

PreventionGenetics, part of Exact Sciences
Classification: Likely benign for PLXNA2-related condition. Last evaluated: 2022-10-04. Review status: no assertion criteria provided. Collection method: clinical testing. Allele origin: germline.
Comment: This variant is classified as likely benign based on ACMG/AMP sequence variant interpretation guidelines (Richards et al. 2015 PMID: 25741868, with internal and published modifications).